The following is an entry in ClinVar:

NM_001130965.3(SUN1):c.29G>A (p.Ser10Asn)

Genes: SUN1 (Sad1 and UNC84 domain containing 1; plus strand), LOC126859921 (P300/CBP strongly-dependent group 1 enhancer GRCh37_chr7:871666-872865; plus strand). Cytogenetic location: 7p22.3.
Variant type: single nucleotide variant.
Coding change: c.29G>A on transcript NM_001130965.3 (MANE Select); coding-DNA position 29, G replaced by A.
Protein change: p.Ser10Asn; replaces serine 10 with asparagine.
Molecular consequence: missense variant. On other transcripts: intron variant (30), 5 prime UTR variant (1), non-coding transcript variant (3).
Genome position (GRCh38, 1-based): chr7:832,553, G>A. VCF-style: chr7-832553-G-A. GRCh37 (hg19) VCF-style: chr7-872190-G-A.
Other names: c.-73-6245G>A (NM_001367644.1, NM_001367686.1, NM_001367645.1 and 24 more transcripts); c.-684-6245G>A (NM_001367658.1); c.-301-9393G>A (NM_001367639.1); c.29G>A, p.Ser10Asn (NM_001171944.2, NM_001171946.2, NM_001367633.1 and 35 more transcripts); c.92G>A, p.Ser31Asn (NM_001171945.2); c.-429G>A (NM_001367635.1); c.297-6245G>A (NM_001367651.1); short protein forms S10N, S31N.
Identifiers: ClinVar variation 639362 (VCV000639362.8), dbSNP rs200505697, ClinGen allele CA4111357.
Genomic context (GRCh38, chr7:832,553, plus strand): 5'-CGCCCTCTGCAGTATGGTTTGAAGTGGTGAACATGGATTTTTCTCGGCTTCACATGTACA[G>A]TCCTCCCCAGTGTGTGCCGGAGAACACGGGCTACACGTATGCGCTCAGGTGAGTGTGCAC-3'
Protein context (NP_001124437.1, residues 1-20): MDFSRLHMY[Ser10Asn]PPQCVPENTG

ClinVar aggregate classification (germline): Uncertain significance. Review status: criteria provided, multiple submitters, no conflicts (2 of 4 stars). 2 submissions from 2 submitters: Uncertain significance (2). Last evaluated 2025-12-03.

Conditions:
Emery-Dreifuss muscular dystrophy (EDMD). Also called: Scapuloperoneal syndrome, X-linked (formerly); Humeroperoneal neuromuscular disease, (formerly). Identifiers: Orphanet 261, MedGen C0410189, MONDO:0016830.

Allele frequency attached by ClinVar (database versions not stated): gnomAD 0.00006; TOPMed 0.00009; ESP Exome Variant Server 0.00010; gnomAD exomes 0.00014 and 0.00018; 1000 Genomes Project 0.00020; ExAC 0.00022; 1000 Genomes Project 30x 0.00031.
gnomAD v4.1: 266 of 1,613,414 alleles (0.016%); highest among the groups gnomAD compares: Non-Finnish European, 0.021%; no homozygotes.

Submissions (2):

Ambry Genetics
Classification: Uncertain significance. Last evaluated: 2025-12-03. Review status: criteria provided, single submitter. Criteria: Ambry Variant Classification Scheme 2023. Collection method: clinical testing. Allele origin: germline.

Labcorp Genetics (formerly Invitae), Labcorp
Classification: Uncertain significance for Emery-Dreifuss muscular dystrophy. Last evaluated: 2023-12-16. Review status: criteria provided, single submitter. Criteria: Invitae Variant Classification Sherloc (09022015). Collection method: clinical testing. Allele origin: germline.
Comment: This sequence change replaces serine, which is neutral and polar, with asparagine, which is neutral and polar, at codon 10 of the SUN1 protein (p.Ser10Asn). This variant is present in population databases (rs200505697, gnomAD 0.02%). This variant has not been reported in the literature in individuals affected with SUN1-related conditions. ClinVar contains an entry for this variant (Variation ID: 639362). An algorithm developed to predict the effect of missense changes on protein structure and function (PolyPhen-2) suggests that this variant is likely to be tolerated. In summary, the available evidence is currently insufficient to determine the role of this variant in disease. Therefore, it has been classified as a Variant of Uncertain Significance.